The following is an entry in ClinVar:

ClinVar aggregate classification (germline): Uncertain significance. Review status: criteria provided, multiple submitters, no conflicts (2 of 4 stars). 2 submissions from 2 submitters: Uncertain significance (2). Last evaluated 2024-08-15.

Conditions:
Severe myoclonic epilepsy in infancy (DRVT). Also called: SEVERE MYOCLONIC EPILEPSY OF INFANCY; DEVELOPMENTAL AND EPILEPTIC ENCEPHALOPATHY 6A; Dravet syndrome; Epileptic encephalopathy, early infantile, 6 (Dravet syndrome); Severe Myoclonic Epilepsy in Infancy (SMEI). Identifiers: Orphanet 33069, MedGen C0751122, MONDO:0100135, OMIM 607208.
Inborn genetic diseases. Identifiers: MedGen C0950123, MeSH D030342.

Allele frequency attached by ClinVar (database versions not stated): gnomAD exomes 0.00002 and 0.00003; TOPMed 0.00002; gnomAD 0.00003 and 0.00004; ExAC 0.00005.
gnomAD v4.1: 39 of 1,521,264 alleles (0.0026%); highest among the groups gnomAD compares: African/African-American, 0.023%; no homozygotes.

Submissions (2):

Ambry Genetics
Classification: Uncertain significance for Inborn genetic diseases. Last evaluated: 2024-08-15. Review status: criteria provided, single submitter. Criteria: Ambry Variant Classification Scheme 2023. Collection method: clinical testing. Allele origin: germline.

Labcorp Genetics (formerly Invitae), Labcorp
Classification: Uncertain significance for Severe myoclonic epilepsy in infancy. Last evaluated: 2024-04-17. Review status: criteria provided, single submitter. Criteria: Invitae Variant Classification Sherloc (09022015). Collection method: clinical testing. Allele origin: germline.
Comment: This sequence change replaces glycine, which is neutral and non-polar, with glutamic acid, which is acidic and polar, at codon 37 of the SNX27 protein (p.Gly37Glu). The frequency data for this variant in the population databases is considered unreliable, as metrics indicate poor data quality at this position in the gnomAD database. This variant has not been reported in the literature in individuals affected with SNX27-related conditions. ClinVar contains an entry for this variant (Variation ID: 969071). An algorithm developed to predict the effect of missense changes on protein structure and function (PolyPhen-2) suggests that this variant is likely to be tolerated. In summary, the available evidence is currently insufficient to determine the role of this variant in disease. Therefore, it has been classified as a Variant of Uncertain Significance.

NM_001330723.2(SNX27):c.110G>A (p.Gly37Glu)

Genes: SNX27 (sorting nexin 27; plus strand), LOC129931442 (ATAC-STARR-seq lymphoblastoid silent region 1324; plus strand). Cytogenetic location: 1q21.3.
Variant type: single nucleotide variant.
Coding change: c.110G>A on transcript NM_001330723.2 (MANE Select); coding-DNA position 110, G replaced by A.
Protein change: p.Gly37Glu; replaces glycine 37 with glutamic acid.
Molecular consequence: missense variant.
Genome position (GRCh38, 1-based): chr1:151,612,311, G>A. VCF-style: chr1-151612311-G-A. GRCh37 (hg19) VCF-style: chr1-151584787-G-A.
Other names: c.110G>A, p.Gly37Glu (NM_030918.6); short protein forms G37E.
Identifiers: ClinVar variation 969071 (VCV000969071.9), dbSNP rs780332122, ClinGen allele CA1093350.
Genomic context (GRCh38, chr1:151,612,311, plus strand): 5'-ACGGAGGTGGCGGCGGCGGCGGGGGGTCTGGGCTCCACTGCGCCGGGAACGGCGGCGGGG[G>A]AGGCGGCGGCCCGCGGGTCGTGCGCATCGTCAAGTCCGAGTCCGGCTACGGCTTCAACGT-3'
Protein context (NP_001317652.1, residues 27-47): GLHCAGNGGG[Gly37Glu]GGGPRVVRIV